The following is an entry in ClinVar:

NM_177438.3(DICER1):c.3257C>G (p.Pro1086Arg)

Gene: DICER1 (dicer 1, ribonuclease III; minus strand). Cytogenetic location: 14q32.13.
Variant type: single nucleotide variant.
Coding change: c.3257C>G on transcript NM_177438.3 (MANE Select); coding-DNA position 3257, C replaced by G.
Protein change: p.Pro1086Arg; replaces proline 1086 with arginine.
Molecular consequence: missense variant. On other transcripts: non-coding transcript variant (6).
Genome position (GRCh38, 1-based): chr14:95,105,083, G>C on the plus strand (C>G on the coding strand, the complement: DICER1 is on the minus strand). VCF-style: chr14-95105083-G-C. GRCh37 (hg19) VCF-style: chr14-95571420-G-C.
Other names: c.3257C>G, p.Pro1086Arg (NM_001195573.1, NM_001271282.3, NM_001291628.2 and 12 more transcripts); c.2975C>G, p.Pro992Arg (NM_001395686.1); c.2852C>G, p.Pro951Arg (NM_001395687.1, NM_001395688.1, NM_001395689.1 and 2 more transcripts); c.2690C>G, p.Pro897Arg (NM_001395691.1); c.1574C>G, p.Pro525Arg (NM_001395697.1); short protein forms P992R, P1086R, P525R, P951R, P897R.
Identifiers: ClinVar variation 4746806 (VCV004746806.1).

ClinVar aggregate classification (germline): Uncertain significance (1 of 4 stars; one submission).

Conditions:
DICER1-related tumor predisposition. Also called: DICER1-related pleuropulmonary blastoma cancer predisposition syndrome; DICER1 syndrome. Identifiers: Orphanet 284343, MedGen C3839822, MONDO:0100216.

Submission:

Labcorp Genetics (formerly Invitae), Labcorp
Classification: Uncertain significance for DICER1-related tumor predisposition. Last evaluated: 2025-04-30. Review status: criteria provided, single submitter. Criteria: Invitae Variant Classification Sherloc (09022015). Collection method: clinical testing. Allele origin: germline.
Comment: This sequence change replaces proline, which is neutral and non-polar, with arginine, which is basic and polar, at codon 1086 of the DICER1 protein (p.Pro1086Arg). This variant is not present in population databases (gnomAD no frequency). This variant has not been reported in the literature in individuals affected with DICER1-related conditions. Invitae Evidence Modeling of protein sequence and biophysical properties (such as structural, functional, and spatial information, amino acid conservation, physicochemical variation, residue mobility, and thermodynamic stability) indicates that this missense variant is expected to disrupt DICER1 protein function with a positive predictive value of 95%. In summary, the available evidence is currently insufficient to determine the role of this variant in disease. Therefore, it has been classified as a Variant of Uncertain Significance.